The following is an entry in ClinVar:

ClinVar aggregate classification (germline): Likely benign. Review status: criteria provided, multiple submitters, no conflicts (2 of 4 stars). 2 submissions from 2 submitters: Likely benign (2). Last evaluated 2024-05-01.

Allele frequency attached by ClinVar (database versions not stated): TOPMed below 0.00001; ExAC 0.00001.
gnomAD v4.1: 1 of 1,611,120 alleles (0.000062%); no homozygotes.

Submissions (2):

CeGaT Center for Human Genetics Tuebingen
Classification: Likely benign. Last evaluated: 2024-05-01. Review status: criteria provided, single submitter. Criteria: CeGaT Center For Human Genetics Tuebingen Variant Classification Criteria Version 2. Collection method: clinical testing. Allele origin: germline. Affected: yes. Observed: 1 variant allele.
Comment: MYO3A: BP4

Labcorp Genetics (formerly Invitae), Labcorp
Classification: Likely benign. Last evaluated: 2023-12-09. Review status: criteria provided, single submitter. Criteria: Invitae Variant Classification Sherloc (09022015). Collection method: clinical testing. Allele origin: germline.

NM_017433.5(MYO3A):c.168+8A>T

Gene: MYO3A (myosin IIIA; plus strand). Cytogenetic location: 10p12.1.
Variant type: single nucleotide variant.
Coding change: c.168+8A>T on transcript NM_017433.5 (MANE Select); 8 bases into the intron after coding-DNA position 168, A replaced by T.
Molecular consequence: intron variant.
Genome position (GRCh38, 1-based): chr10:25,952,286, A>T. VCF-style: chr10-25952286-A-T. GRCh37 (hg19) VCF-style: chr10-26241215-A-T.
Other names: c.168+8A>T (NM_001368265.1).
Identifiers: ClinVar variation 2886656 (VCV002886656.22), dbSNP rs749371871, ClinGen allele CA5444211.